The following is an entry in ClinVar:

NM_153704.6(TMEM67):c.600C>T (p.Ser200=)

Gene: TMEM67 (transmembrane protein 67; plus strand). Cytogenetic location: 8q22.1.
Variant type: single nucleotide variant.
Coding change: c.600C>T on transcript NM_153704.6 (MANE Select); coding-DNA position 600, C replaced by T.
Protein change: p.Ser200=; no amino-acid change (serine 200 retained).
Molecular consequence: synonymous variant. On other transcripts: non-coding transcript variant (1).
Genome position (GRCh38, 1-based): chr8:93,765,595, C>T. VCF-style: chr8-93765595-C-T. GRCh37 (hg19) VCF-style: chr8-94777823-C-T.
Other names: c.357C>T, p.Ser119= (NM_001142301.1).
Identifiers: ClinVar variation 4993104 (VCV004993104.1).

ClinVar aggregate classification (germline): Likely benign (1 of 4 stars; one submission).

Conditions:
TMEM67-related disorder. Also called: TMEM67-related condition; TMEM67-related disorders. Identifiers: MedGen CN239423.

Submission:

PreventionGenetics, part of Exact Sciences
Classification: Likely benign for TMEM67-related condition. Last evaluated: 2026-08-31. Review status: criteria provided, single submitter. Criteria: ACMG Guidelines, 2015. Collection method: clinical testing. Allele origin: germline.
Comment: This variant is classified as likely benign based on ACMG/AMP sequence variant interpretation guidelines (Richards et al. 2015 PMID: 25741868, with internal and published modifications).